The following is an entry in ClinVar:

ClinVar aggregate classification (germline): Likely pathogenic. Review status: criteria provided, multiple submitters, no conflicts (2 of 4 stars). 3 submissions from 3 submitters: Likely pathogenic (2). 1 of the submissions does not count toward it. Last evaluated 2026-04-22.

Conditions:
KIF5B-related disease.
Fetal anomalies with a likely genetic cause.
KYPHOMELIC DYSPLASIA, ITAI-IKEGAWA TYPE (KDII). Identifiers: MedGen CN382186, OMIM 621644.

Submissions (3):

NHS Central & South Genomic Laboratory Hub
Classification: Likely pathogenic for Fetal anomalies with a likely genetic cause. Last evaluated: 2026-04-22. Review status: criteria provided, single submitter. Criteria: ACMG Guidelines, 2015. Collection method: clinical testing. Allele origin: germline. Affected: yes.

Dasa
Classification: Likely pathogenic for KIF5B-related disease. Last evaluated: 2025-07-29. Review status: criteria provided, single submitter. Criteria: DASA Assertion Criteria. Collection method: clinical testing. Allele origin: germline.
Comment: NM_004521.3(KIF5B):c.584C>A (p.Thr195Lys) is a missense variant that results in the substitution of threonine with lysine. This variant has been reported as a de novo occurrence in an affected individual (PMID: 37934770; PMID: 35342932). Published studies describe this variant in association with related phenotype (PMID: 37934770; PMID: 35342932; PMID: 36018820). Also, this variant is absent from population databases. Computational evidence supports a deleterious effect. Based on the currently available evidence, this variant is classified as likely pathogenic.

OMIM
Classification: Pathogenic for KYPHOMELIC DYSPLASIA, ITAI-IKEGAWA TYPE. Last evaluated: 2026-07-14. Review status: no assertion criteria provided. Collection method: literature only. Allele origin: germline. Not counted in ClinVar's aggregate classification.

Literature cited by the submitters: PubMed 37934770 (cited by Dasa and OMIM); PubMed 35342932 (cited by Dasa and OMIM); PubMed 36018820 (cited by Dasa).

NM_004521.3(KIF5B):c.584C>A (p.Thr195Lys)

Gene: KIF5B (kinesin family member 5B; minus strand). Cytogenetic location: 10p11.22.
Variant type: single nucleotide variant.
Coding change: c.584C>A on transcript NM_004521.3 (MANE Select); coding-DNA position 584, C replaced by A.
Protein change: p.Thr195Lys; replaces threonine 195 with lysine.
Molecular consequence: missense variant.
Genome position (GRCh38, 1-based): chr10:32,037,522, G>T on the plus strand (C>A on the coding strand, the complement: KIF5B is on the minus strand). VCF-style: chr10-32037522-G-T. GRCh37 (hg19) VCF-style: chr10-32326450-G-T.
Other names: short protein forms T195K.
Identifiers: ClinVar variation 4820584 (VCV004820584.4).